The following is an entry in ClinVar:

ClinVar aggregate classification (germline): Uncertain significance (1 of 4 stars; one submission).

Conditions:
Familial thoracic aortic aneurysm and aortic dissection (TAAD). Also called: Thoracic aortic aneurysms and dissections. Identifiers: Orphanet 91387, MedGen C4707243, MONDO:0019625.

gnomAD v4.1: 1 of 1,614,136 alleles (0.000062%); highest among the groups gnomAD compares: South Asian, 0.0011%; no homozygotes.

Submission:

Color Diagnostics, LLC DBA Color Health
Classification: Uncertain significance for Familial thoracic aortic aneurysm and aortic dissection. Last evaluated: 2025-07-17. Review status: criteria provided, single submitter. Criteria: ACMG Guidelines, 2015. Collection method: clinical testing. Allele origin: germline.
Comment: This missense variant replaces leucine with valine at codon 29 of the FBN1 protein. Computational prediction suggests that this variant may not impact protein structure and function. To our knowledge, functional studies have not been reported for this variant. This variant has not been reported in individuals affected with FBN1-related disorders in the literature. This variant has not been identified in the general population by the Genome Aggregation Database (gnomAD). The available evidence is insufficient to determine the role of this variant in disease conclusively. Therefore, this variant is classified as a Variant of Uncertain Significance.

NM_000138.5(FBN1):c.85T>G (p.Leu29Val)

Genes: FBN1 (fibrillin 1; minus strand), LOC130057019 (ATAC-STARR-seq lymphoblastoid silent region 6417; plus strand). Cytogenetic location: 15q21.1.
Variant type: single nucleotide variant.
Coding change: c.85T>G on transcript NM_000138.5 (MANE Select); coding-DNA position 85, T replaced by G.
Protein change: p.Leu29Val; replaces leucine 29 with valine.
Molecular consequence: missense variant.
Genome position (GRCh38, 1-based): chr15:48,644,685, A>C on the plus strand (T>G on the coding strand, the complement: FBN1 is on the minus strand). VCF-style: chr15-48644685-A-C. GRCh37 (hg19) VCF-style: chr15-48936882-A-C.
Other names: c.85T>G, p.Leu29Val (NM_001406716.1, NM_001406717.1, NM_001406718.1); short protein forms L29V.
Identifiers: ClinVar variation 4757680 (VCV004757680.1).